The following is an entry in ClinVar:

ClinVar aggregate classification (germline): Uncertain significance (1 of 4 stars; one submission).

Conditions:
Epilepsy. Also called: Seizure disorder. Identifiers: MedGen C0014544, MeSH D004827, MONDO:0005027.

gnomAD v4.1: 2 of 1,604,820 alleles (0.00012%); highest among the groups gnomAD compares: Non-Finnish European, 0.00017%; no homozygotes.

Submission:

Labcorp Genetics (formerly Invitae), Labcorp
Classification: Uncertain significance for Epilepsy. Last evaluated: 2024-06-26. Review status: criteria provided, single submitter. Criteria: Invitae Variant Classification Sherloc (09022015). Collection method: clinical testing. Allele origin: germline.
Comment: This sequence change replaces arginine, which is basic and polar, with glycine, which is neutral and non-polar, at codon 508 of the PIGQ protein (p.Arg508Gly). This variant is present in population databases (no rsID available, gnomAD 0.002%). This variant has not been reported in the literature in individuals affected with PIGQ-related conditions. An algorithm developed to predict the effect of missense changes on protein structure and function (PolyPhen-2) suggests that this variant is likely to be disruptive. In summary, the available evidence is currently insufficient to determine the role of this variant in disease. Therefore, it has been classified as a Variant of Uncertain Significance.

NM_004204.5(PIGQ):c.1522A>G (p.Arg508Gly)

Gene: PIGQ (phosphatidylinositol glycan anchor biosynthesis class Q; plus strand). Cytogenetic location: 16p13.3.
Variant type: single nucleotide variant.
Coding change: c.1522A>G on transcript NM_004204.5 (MANE Select); coding-DNA position 1522, A replaced by G.
Protein change: p.Arg508Gly; replaces arginine 508 with glycine.
Molecular consequence: missense variant.
Genome position (GRCh38, 1-based): chr16:580,963, A>G. VCF-style: chr16-580963-A-G. GRCh37 (hg19) VCF-style: chr16-630963-A-G.
Other names: c.1522A>G, p.Arg508Gly (NM_148920.4); short protein forms R508G.
Identifiers: ClinVar variation 3624929 (VCV003624929.2).
Genomic context (GRCh38, chr16:580,963, plus strand): 5'-GTGGACCTCATCAACTCCCTGCCGCTGTACTCACTGGGTCTTCGGCTCTGCCGGCCCTAC[A>G]GGCTGGCGGGTAAGTGCTGCGTATTGGGCAGCTGGCCCTGGGTAGGTGGAGGGGAACCAC-3'
Protein context (NP_004195.2, residues 498-518): SLGLRLCRPY[Arg508Gly]LAAGVKFRVL